The following is an entry in ClinVar:

ClinVar aggregate classification (germline): Uncertain significance (1 of 4 stars; one submission).

Allele frequency attached by ClinVar (database versions not stated): gnomAD exomes 0.00001; gnomAD 0.00002; TOPMed 0.00002.
gnomAD v4.1: 11 of 1,548,268 alleles (0.00071%); highest among the groups gnomAD compares: Non-Finnish European, 0.00098%; no homozygotes.

Submission:

Labcorp Genetics (formerly Invitae), Labcorp
Classification: Uncertain significance. Last evaluated: 2024-12-16. Review status: criteria provided, single submitter. Criteria: Invitae Variant Classification Sherloc (09022015). Collection method: clinical testing. Allele origin: germline.
Comment: This sequence change falls in intron 13 of the ANKRD26 gene. It does not directly change the encoded amino acid sequence of the ANKRD26 protein. This variant is present in population databases (no rsID available, gnomAD 0.0009%). This variant has not been reported in the literature in individuals affected with ANKRD26-related conditions. ClinVar contains an entry for this variant (Variation ID: 3000560). Algorithms developed to predict the effect of sequence changes on RNA splicing suggest that this variant may create or strengthen a splice site. In summary, the available evidence is currently insufficient to determine the role of this variant in disease. Therefore, it has been classified as a Variant of Uncertain Significance.

NM_014915.3(ANKRD26):c.1462+14A>G

Gene: ANKRD26 (ankyrin repeat domain 26; minus strand). Cytogenetic location: 10p12.1.
Variant type: single nucleotide variant.
Coding change: c.1462+14A>G on transcript NM_014915.3 (MANE Select); 14 bases into the intron after coding-DNA position 1462, A replaced by G.
Molecular consequence: intron variant.
Genome position (GRCh38, 1-based): chr10:27,061,130, T>C on the plus strand (A>G on the coding strand, the complement: ANKRD26 is on the minus strand). VCF-style: chr10-27061130-T-C. GRCh37 (hg19) VCF-style: chr10-27350059-T-C.
Other names: c.1462+14A>G (NM_001256053.2).
Identifiers: ClinVar variation 3000560 (VCV003000560.3), dbSNP rs915772871, ClinGen allele CA204421484.